The following is an entry in ClinVar:

ClinVar aggregate classification (germline): Uncertain significance (1 of 4 stars; one submission).

Conditions:
Severe combined immunodeficiency due to DNA-PKcs deficiency. Also called: IMMUNODEFICIENCY 26 WITH NEUROLOGIC ABNORMALITIES; Immunodeficiency 26 with or without neurologic abnormalities. Identifiers: Orphanet 317425, MedGen C4014833, MONDO:0014423, OMIM 615966.

Allele frequency attached by ClinVar (database versions not stated): TOPMed below 0.00001.
gnomAD v4.1: 32 of 1,613,760 alleles (0.002%); highest among the groups gnomAD compares: Non-Finnish European, 0.0025%; no homozygotes.

Submission:

Labcorp Genetics (formerly Invitae), Labcorp
Classification: Uncertain significance for Severe combined immunodeficiency due to DNA-PKcs deficiency. Last evaluated: 2021-12-18. Review status: criteria provided, single submitter. Criteria: Invitae Variant Classification Sherloc (09022015). Collection method: clinical testing. Allele origin: germline.
Comment: In summary, the available evidence is currently insufficient to determine the role of this variant in disease. Therefore, it has been classified as a Variant of Uncertain Significance. Experimental studies and prediction algorithms are not available or were not evaluated, and the functional significance of this variant is currently unknown. This variant has not been reported in the literature in individuals affected with PRKDC-related conditions. This variant is not present in population databases (gnomAD no frequency). This sequence change replaces glutamic acid, which is acidic and polar, with aspartic acid, which is acidic and polar, at codon 2754 of the PRKDC protein (p.Glu2754Asp).

NM_006904.7(PRKDC):c.8262G>C (p.Glu2754Asp)

Gene: PRKDC (protein kinase, DNA-activated, catalytic subunit; minus strand). Cytogenetic location: 8q11.21.
Variant type: single nucleotide variant.
Coding change: c.8262G>C on transcript NM_006904.7 (MANE Select); coding-DNA position 8262, G replaced by C.
Protein change: p.Glu2754Asp; replaces glutamic acid 2754 with aspartic acid.
Molecular consequence: missense variant.
Genome position (GRCh38, 1-based): chr8:47,831,817, C>G on the plus strand (G>C on the coding strand, the complement: PRKDC is on the minus strand). VCF-style: chr8-47831817-C-G. GRCh37 (hg19) VCF-style: chr8-48744378-C-G.
Other names: c.8262G>C, p.Glu2754Asp (NM_001081640.2); short protein forms E2754D.
Identifiers: ClinVar variation 2157472 (VCV002157472.4), dbSNP rs757087185, ClinGen allele CA371147540.